The following is an entry in ClinVar:

NM_003982.4(SLC7A7):c.1229G>A (p.Arg410Gln)

Gene: SLC7A7 (solute carrier family 7 member 7; minus strand). Cytogenetic location: 14q11.2.
Variant type: single nucleotide variant.
Coding change: c.1229G>A on transcript NM_003982.4 (MANE Select); coding-DNA position 1229, G replaced by A.
Protein change: p.Arg410Gln; replaces arginine 410 with glutamine.
Molecular consequence: missense variant.
Genome position (GRCh38, 1-based): chr14:22,774,370, C>T on the plus strand (G>A on the coding strand, the complement: SLC7A7 is on the minus strand). VCF-style: chr14-22774370-C-T. GRCh37 (hg19) VCF-style: chr14-23243579-C-T.
Other names: c.1229G>A, p.Arg410Gln (NM_001126105.3, NM_001126106.4); short protein forms R410Q.
Identifiers: ClinVar variation 858135 (VCV000858135.10), dbSNP rs368317701, ClinGen allele CA7104459.

ClinVar aggregate classification (germline): Uncertain significance. Review status: criteria provided, multiple submitters, no conflicts (2 of 4 stars). 4 submissions from 4 submitters: Uncertain significance (3). 1 of the submissions does not count toward it. Last evaluated 2025-04-13.

Conditions:
Lysinuric protein intolerance (LPI). Identifiers: Orphanet 470, MedGen C0268647, MONDO:0009109, OMIM 222700.
Inborn genetic diseases. Identifiers: MedGen C0950123, MeSH D030342.

Allele frequency attached by ClinVar (database versions not stated): ExAC 0.00002; gnomAD exomes 0.00002 and 0.00006; gnomAD 0.00003 and 0.00004; TOPMed 0.00004; ESP Exome Variant Server 0.00008.
gnomAD v4.1: 89 of 1,613,996 alleles (0.0055%); highest among the groups gnomAD compares: Non-Finnish European, 0.0068%; no homozygotes.

Submissions (4):

Ambry Genetics
Classification: Uncertain significance for Inborn genetic diseases. Last evaluated: 2025-04-13. Review status: criteria provided, single submitter. Criteria: Ambry Variant Classification Scheme 2023. Collection method: clinical testing. Allele origin: germline.

Fulgent Genetics
Classification: Uncertain significance for Lysinuric protein intolerance. Last evaluated: 2024-05-15. Review status: criteria provided, single submitter. Criteria: ACMG Guidelines, 2015. Collection method: clinical testing. Allele origin: germline.

Labcorp Genetics (formerly Invitae), Labcorp
Classification: Uncertain significance for Lysinuric protein intolerance. Last evaluated: 2022-10-13. Review status: criteria provided, single submitter. Criteria: Invitae Variant Classification Sherloc (09022015). Collection method: clinical testing. Allele origin: germline.
Comment: This sequence change replaces arginine, which is basic and polar, with glutamine, which is neutral and polar, at codon 410 of the SLC7A7 protein (p.Arg410Gln). This variant is present in population databases (rs368317701, gnomAD 0.008%). This variant has not been reported in the literature in individuals affected with SLC7A7-related conditions. ClinVar contains an entry for this variant (Variation ID: 858135). Algorithms developed to predict the effect of missense changes on protein structure and function are either unavailable or do not agree on the potential impact of this missense change (SIFT: "Tolerated"; PolyPhen-2: "Possibly Damaging"; Align-GVGD: "Class C0"). In summary, the available evidence is currently insufficient to determine the role of this variant in disease. Therefore, it has been classified as a Variant of Uncertain Significance.

Natera, Inc.
Classification: Uncertain significance for Lysinuric protein intolerance. Last evaluated: 2020-01-28. Review status: no assertion criteria provided. Collection method: clinical testing. Allele origin: germline. Not counted in ClinVar's aggregate classification.